The following is an entry in ClinVar:

NM_032119.4(ADGRV1):c.-11G>A

Gene: ADGRV1 (adhesion G protein-coupled receptor V1; plus strand). Cytogenetic location: 5q14.3.
Variant type: single nucleotide variant.
Coding change: c.-11G>A on transcript NM_032119.4 (MANE Select); 11 bases upstream of the start codon, G replaced by A.
Molecular consequence: 5 prime UTR variant. On other transcripts: non-coding transcript variant (1).
Genome position (GRCh38, 1-based): chr5:90,558,885, G>A. VCF-style: chr5-90558885-G-A. GRCh37 (hg19) VCF-style: chr5-89854702-G-A.
Identifiers: ClinVar variation 178840 (VCV000178840.4), dbSNP rs727504484, ClinGen allele CA183138.

ClinVar aggregate classification (germline): Uncertain significance (1 of 4 stars; one submission).

Allele frequency attached by ClinVar (database versions not stated): TOPMed below 0.00001; ExAC 0.00005.
gnomAD v4.1: 1 of 1,559,542 alleles (0.000064%); no homozygotes.

Submission:

Laboratory for Molecular Medicine, Mass General Brigham Personalized Medicine
Classification: Uncertain significance. Last evaluated: 2013-04-10. Review status: criteria provided, single submitter. Criteria: LMM Criteria. Collection method: clinical testing. Allele origin: germline. Observed: 1 variant allele.
Comment: Variant classified as Uncertain Significance - Favor Benign. The -11G>A variant in GPR98 has not been reported in individuals affected with hearing loss or in l arge population studies. This variant is located in the 5'UTR. Although we cann ot rule out a deleterious impact on the regulation of splicing or translation of GPR98, to date no disease-causing variants have been found in this region of th e transcript. Furthermore, the nucleotide at this position is not highly conserv ed across species suggesting that a change may be tolerated. In summary, the cl inical significance of this variant cannot be determined with certainty at this time; however based upon the available data, we would lean towards a more likely benign role.